The following is an entry in ClinVar:

ClinVar aggregate classification (germline): Uncertain significance. Review status: criteria provided, multiple submitters, no conflicts (2 of 4 stars). 2 submissions from 2 submitters: Uncertain significance (2). Last evaluated 2025-05-21.

Conditions:
PEX14-related disorder. Also called: PEX14-related condition.
Peroxisome biogenesis disorder, complementation group K (CGK). Identifiers: MedGen C1866257, MONDO:0800365.

Allele frequency attached by ClinVar (database versions not stated): TOPMed below 0.00001; ExAC 0.00001; gnomAD 0.00001.
gnomAD v4.1: 6 of 1,610,140 alleles (0.00037%); highest among the groups gnomAD compares: Admixed American, 0.01%; no homozygotes.

Submissions (2):

PreventionGenetics, part of Exact Sciences
Classification: Uncertain significance for PEX14-related condition. Last evaluated: 2025-05-21. Review status: criteria provided, single submitter. Criteria: ACMG Guidelines, 2015. Collection method: clinical testing. Allele origin: germline.
Comment: The PEX14 c.1119G>C variant is predicted to result in the amino acid substitution p.Glu373Asp. To our knowledge, this variant has not been reported in the literature. This variant is reported in 0.015% of alleles in individuals of Latino descent in gnomAD. At this time, the clinical significance of this variant is uncertain due to the absence of conclusive functional and genetic evidence.

Labcorp Genetics (formerly Invitae), Labcorp
Classification: Uncertain significance for Peroxisome biogenesis disorder, complementation group K. Last evaluated: 2022-05-20. Review status: criteria provided, single submitter. Criteria: Invitae Variant Classification Sherloc (09022015). Collection method: clinical testing. Allele origin: germline.
Comment: This sequence change replaces glutamic acid, which is acidic and polar, with aspartic acid, which is acidic and polar, at codon 373 of the PEX14 protein (p.Glu373Asp). This variant is present in population databases (rs769581556, gnomAD 0.003%). This variant has not been reported in the literature in individuals affected with PEX14-related conditions. Algorithms developed to predict the effect of missense changes on protein structure and function are either unavailable or do not agree on the potential impact of this missense change (SIFT: "Tolerated"; PolyPhen-2: "Probably Damaging"; Align-GVGD: "Class C0"). In summary, the available evidence is currently insufficient to determine the role of this variant in disease. Therefore, it has been classified as a Variant of Uncertain Significance.

NM_004565.3(PEX14):c.1119G>C (p.Glu373Asp)

Gene: PEX14 (peroxisomal biogenesis factor 14; plus strand). Cytogenetic location: 1p36.22.
Variant type: single nucleotide variant.
Coding change: c.1119G>C on transcript NM_004565.3 (MANE Select); coding-DNA position 1119, G replaced by C.
Protein change: p.Glu373Asp; replaces glutamic acid 373 with aspartic acid.
Molecular consequence: missense variant.
Genome position (GRCh38, 1-based): chr1:10,629,972, G>C. VCF-style: chr1-10629972-G-C. GRCh37 (hg19) VCF-style: chr1-10690029-G-C.
Other names: c.1119G>C (NM_004565.2); short protein forms E373D.
Identifiers: ClinVar variation 2089183 (VCV002089183.2), dbSNP rs769581556, ClinGen allele CA584037.
Genomic context (GRCh38, chr1:10,629,972, plus strand): 5'-GGATGGGCAGATCAACGAGCAGGTGGAGAAGCTGCGGCGGCCCGAGGGCGCCAGCAACGA[G>C]AGTGAGCGGGACTAGGGCTGCGCCTGCTGCCTCCAGCCCTGAGGATGGCATCTAGTGTGC-3'
Protein context (NP_004556.1, residues 363-377): KLRRPEGASN[Glu373Asp]SERD